The following is an entry in ClinVar:

ClinVar aggregate classification (germline): Uncertain significance. Review status: criteria provided, multiple submitters, no conflicts (2 of 4 stars). 2 submissions from 2 submitters: Uncertain significance (2). Last evaluated 2024-10-29.

Submissions (2):

Ambry Genetics
Classification: Uncertain significance. Last evaluated: 2024-10-29. Review status: criteria provided, single submitter. Criteria: Ambry Variant Classification Scheme 2023. Collection method: clinical testing. Allele origin: germline.
Comment: The p.M443T variant (also known as c.1328T>C), located in coding exon 10 of the RECQL gene, results from a T to C substitution at nucleotide position 1328. The methionine at codon 443 is replaced by threonine, an amino acid with similar properties. This amino acid position is conserved. In addition, the in silico prediction for this alteration is inconclusive. Based on the available evidence, the clinical significance of this variant remains unclear.

Labcorp Genetics (formerly Invitae), Labcorp
Classification: Uncertain significance. Last evaluated: 2021-03-25. Review status: criteria provided, single submitter. Criteria: Invitae Variant Classification Sherloc (09022015). Collection method: clinical testing. Allele origin: germline.
Comment: This sequence change replaces methionine with threonine at codon 443 of the RECQL protein (p.Met443Thr). The methionine residue is highly conserved and there is a moderate physicochemical difference between methionine and threonine. This variant is not present in population databases (ExAC no frequency). This variant has not been reported in the literature in individuals with RECQL-related conditions. Algorithms developed to predict the effect of missense changes on protein structure and function (SIFT, PolyPhen-2, Align-GVGD) all suggest that this variant is likely to be disruptive, but these predictions have not been confirmed by published functional studies and their clinical significance is uncertain. In summary, the available evidence is currently insufficient to determine the role of this variant in disease. Therefore, it has been classified as a Variant of Uncertain Significance.

NM_002907.4(RECQL):c.1328T>C (p.Met443Thr)

Gene: RECQL (RecQ like helicase; minus strand). Cytogenetic location: 12p12.1.
Variant type: single nucleotide variant.
Coding change: c.1328T>C on transcript NM_002907.4 (MANE Select); coding-DNA position 1328, T replaced by C.
Protein change: p.Met443Thr; replaces methionine 443 with threonine.
Molecular consequence: missense variant.
Genome position (GRCh38, 1-based): chr12:21,474,868, A>G on the plus strand (T>C on the coding strand, the complement: RECQL is on the minus strand). VCF-style: chr12-21474868-A-G. GRCh37 (hg19) VCF-style: chr12-21627802-A-G.
Other names: c.1328T>C, p.Met443Thr (NM_032941.3); c.1328T>C (NM_002907.3); short protein forms M443T.
Identifiers: ClinVar variation 1347459 (VCV001347459.9), dbSNP rs2137333023, ClinGen allele CA384118262.